The following is an entry in ClinVar:

NM_173537.5(GTF2IRD2):c.491C>T (p.Thr164Ile)

Genes: GTF2IRD2 (GTF2I repeat domain containing 2; minus strand), LOC106029312 (Williams-Beuren syndrome medial block B recombination region; plus strand). Cytogenetic location: 7q11.23.
Variant type: single nucleotide variant.
Coding change: c.491C>T on transcript NM_173537.5 (MANE Select); coding-DNA position 491, C replaced by T.
Protein change: p.Thr164Ile; replaces threonine 164 with isoleucine.
Molecular consequence: missense variant. On other transcripts: non-coding transcript variant (6), intron variant (1).
Genome position (GRCh38, 1-based): chr7:74,822,675, G>A on the plus strand (C>T on the coding strand, the complement: GTF2IRD2 is on the minus strand). VCF-style: chr7-74822675-G-A. GRCh37 (hg19) VCF-style: chr7-74237203-G-A.
Other names: c.491C>T, p.Thr164Ile (NM_001388089.1, NM_001388079.1, NM_001388080.1 and 5 more transcripts); c.358+2258C>T (NM_001388083.1); c.977C>T, p.Thr326Ile (NM_001368300.2); c.491C>T (NM_173537.2); short protein forms T164I, T326I.
Identifiers: ClinVar variation 2657604 (VCV002657604.24), dbSNP rs202076967, ClinGen allele CA367970212.
Genomic context (GRCh38, chr7:74,822,675, plus strand): 5'-GTGTGTCACCTATTTATGATGAATGAAATCCCTGCTTTGTTCTCCAAAATCCATTTCAGG[G>A]TTGCAAGGTCGTAATTCTCAGGGTGTTGAAAGGCAACGCCTTCCGGAAGCCCCTGCACTA-3'
Protein context (NP_775808.4, residues 154-174): FQHPENYDLA[Thr164Ile]LKWILENKAG

ClinVar aggregate classification (germline): Conflicting classifications of pathogenicity. Review status: criteria provided, conflicting classifications (1 of 4 stars). 2 submissions from 2 submitters: Uncertain significance (1); Likely benign (1). Last evaluated 2026-09-01.

Allele frequency attached by ClinVar (database versions not stated): 1000 Genomes Project 30x 0.00125; 1000 Genomes Project 0.00140; gnomAD 0.00272; TOPMed 0.00273; gnomAD exomes 0.00322; ExAC 0.00589.
gnomAD v4.1: 2,034 of 649,594 alleles (0.31%); highest among the groups gnomAD compares: Non-Finnish European, 0.42%; 34 homozygotes.

Submissions (2):

CeGaT Center for Human Genetics Tuebingen
Classification: Likely benign. Last evaluated: 2026-09-01. Review status: criteria provided, single submitter. Criteria: CeGaT Center For Human Genetics Tuebingen Variant Classification Criteria Version 2. Collection method: clinical testing. Allele origin: germline. Affected: yes. Observed: 10 variant alleles.
Comment: GTF2IRD2: PP2, BS2

Ambry Genetics
Classification: Uncertain significance. Last evaluated: 2025-10-15. Review status: criteria provided, single submitter. Criteria: Ambry Variant Classification Scheme 2023. Collection method: clinical testing. Allele origin: germline.